The following is an entry in ClinVar:

ClinVar aggregate classification (germline): Uncertain significance (1 of 4 stars; one submission).

Allele frequency attached by ClinVar (database versions not stated): gnomAD exomes below 0.00001.
gnomAD v4.1: 1 of 1,613,366 alleles (0.000062%); highest among the groups gnomAD compares: Non-Finnish European, 0.000085%; no homozygotes.

Submission:

Labcorp Genetics (formerly Invitae), Labcorp
Classification: Uncertain significance. Last evaluated: 2023-07-17. Review status: criteria provided, single submitter. Criteria: Invitae Variant Classification Sherloc (09022015). Collection method: clinical testing. Allele origin: germline.
Comment: This sequence change replaces proline, which is neutral and non-polar, with threonine, which is neutral and polar, at codon 96 of the SNRPB protein (p.Pro96Thr). This variant is not present in population databases (gnomAD no frequency). This variant has not been reported in the literature in individuals affected with SNRPB-related conditions. ClinVar contains an entry for this variant (Variation ID: 1490179). An algorithm developed to predict the effect of missense changes on protein structure and function (PolyPhen-2) suggests that this variant is likely to be disruptive. In summary, the available evidence is currently insufficient to determine the role of this variant in disease. Therefore, it has been classified as a Variant of Uncertain Significance.

NM_003091.4(SNRPB):c.286C>A (p.Pro96Thr)

Gene: SNRPB (small nuclear ribonucleoprotein polypeptides B and B1; minus strand). Cytogenetic location: 20p13.
Variant type: single nucleotide variant.
Coding change: c.286C>A on transcript NM_003091.4 (MANE Select); coding-DNA position 286, C replaced by A.
Protein change: p.Pro96Thr; replaces proline 96 with threonine.
Molecular consequence: missense variant.
Genome position (GRCh38, 1-based): chr20:2,463,881, G>T on the plus strand (C>A on the coding strand, the complement: SNRPB is on the minus strand). VCF-style: chr20-2463881-G-T. GRCh37 (hg19) VCF-style: chr20-2444527-G-T.
Other names: c.286C>A, p.Pro96Thr (NM_198216.2); short protein forms P96T.
Identifiers: ClinVar variation 1490179 (VCV001490179.6), dbSNP rs2122486472, ClinGen allele CA408014606.
Genomic context (GRCh38, chr20:2,463,881, plus strand): 5'-CTGGGATTCCTCTGCCAGCAGCCCTGCCGATCCCTGGGCCCCCGGCAGCTCCAGCAAGTG[G>T]AACTCGAGCAATACCAGTCTGAAAAATAAACAAATATGCTCTGATGCCCAGTGATCTGAA-3'
Protein context (NP_003082.1, residues 86-106): PPKDTGIARV[Pro96Thr]LAGAAGGPGI